The following is an entry in ClinVar:

ClinVar aggregate classification (germline): Uncertain significance (1 of 4 stars; one submission).

Conditions:
Hereditary cancer-predisposing syndrome. Also called: Neoplastic Syndromes, Hereditary; Tumor predisposition; Hereditary neoplastic syndrome; Hereditary Cancer Syndrome. Identifiers: Orphanet 140162, MedGen C0027672, MeSH D009386, MONDO:0015356.

Allele frequency attached by ClinVar (database versions not stated): gnomAD 0.00001.
gnomAD v4.1: 2 of 1,613,920 alleles (0.00012%); highest among the groups gnomAD compares: African/African-American, 0.0013%; no homozygotes.

Submission:

Ambry Genetics
Classification: Uncertain significance for Hereditary cancer-predisposing syndrome. Last evaluated: 2023-09-23. Review status: criteria provided, single submitter. Criteria: Ambry Variant Classification Scheme 2023. Collection method: clinical testing. Allele origin: germline.
Comment: The p.E850D variant (also known as c.2550G>T), located in coding exon 16 of the ATM gene, results from a G to T substitution at nucleotide position 2550. The glutamic acid at codon 850 is replaced by aspartic acid, an amino acid with highly similar properties. This amino acid position is conserved. In addition, this alteration is predicted to be tolerated by in silico analysis. Since supporting evidence is limited at this time, the clinical significance of this alteration remains unclear.

NM_000051.4(ATM):c.2550G>T (p.Glu850Asp)

Gene: ATM (ATM serine/threonine kinase; plus strand). Cytogenetic location: 11q22.3.
Variant type: single nucleotide variant.
Coding change: c.2550G>T on transcript NM_000051.4 (MANE Select); coding-DNA position 2550, G replaced by T.
Protein change: p.Glu850Asp; replaces glutamic acid 850 with aspartic acid.
Molecular consequence: missense variant.
Genome position (GRCh38, 1-based): chr11:108,267,254, G>T. VCF-style: chr11-108267254-G-T. GRCh37 (hg19) VCF-style: chr11-108137981-G-T.
Other names: c.2550G>T, p.Glu850Asp (NM_001351834.2); short protein forms E850D.
Identifiers: ClinVar variation 3232502 (VCV003232502.1), dbSNP rs1399925352, ClinGen allele CA382543710.